The following is an entry in ClinVar:

ClinVar aggregate classification (germline): Likely benign (1 of 4 stars; one submission).

Allele frequency attached by ClinVar (database versions not stated): 1000 Genomes Project 30x 0.00031.

Submission:

CeGaT Center for Human Genetics Tuebingen
Classification: Likely benign. Last evaluated: 2022-04-01. Review status: criteria provided, single submitter. Criteria: CeGaT Center For Human Genetics Tuebingen Variant Classification Criteria Version 2. Collection method: clinical testing. Allele origin: germline. Affected: yes. Observed: 1 variant allele.
Comment: NACAD: BP4, BP7

NM_001146334.2(NACAD):c.2652G>A (p.Pro884=)

Gene: NACAD (NAC alpha domain containing; minus strand). Cytogenetic location: 7p13.
Variant type: single nucleotide variant.
Coding change: c.2652G>A on transcript NM_001146334.2 (MANE Select); coding-DNA position 2652, G replaced by A.
Protein change: p.Pro884=; no amino-acid change (proline 884 retained).
Molecular consequence: synonymous variant.
Genome position (GRCh38, 1-based): chr7:45,083,528, C>T on the plus strand (G>A on the coding strand, the complement: NACAD is on the minus strand). VCF-style: chr7-45083528-C-T. GRCh37 (hg19) VCF-style: chr7-45123127-C-T.
Identifiers: ClinVar variation 2657443 (VCV002657443.24), dbSNP rs1355489881, ClinGen allele CA455151694.